The following is an entry in ClinVar:

NM_002458.3(MUC5B):c.9075G>A (p.Leu3025=)

Genes: MUC5B (mucin 5B, oligomeric mucus/gel-forming; plus strand), MUC5B-AS1 (MUC5B antisense RNA 1; minus strand). Cytogenetic location: 11p15.5.
Variant type: single nucleotide variant.
Coding change: c.9075G>A on transcript NM_002458.3 (MANE Select); coding-DNA position 9075, G replaced by A.
Protein change: p.Leu3025=; no amino-acid change (leucine 3025 retained).
Molecular consequence: synonymous variant.
Genome position (GRCh38, 1-based): chr11:1,245,955, G>A. VCF-style: chr11-1245955-G-A. GRCh37 (hg19) VCF-style: chr11-1267185-G-A.
Identifiers: ClinVar variation 2641249 (VCV002641249.24), dbSNP rs756085009, ClinGen allele CA5806847.
Genomic context (GRCh38, chr11:1,245,955, plus strand): 5'-CACTGGATCCACGGCCATCCCGTCCTCCACCCCGGGAACAGCTCCCCCTCCCAAAGTGCT[G>A]ACCAGCACGGCCACCACACCCACAGCCACCAGTTCCAAAGCCACTTCCTCCTCCAGTCCA-3'
Protein context (NP_002449.2, residues 3015-3035): TPGTAPPPKV[Leu3025=]TSTATTPTAT

ClinVar aggregate classification (germline): Likely benign (1 of 4 stars; one submission).

Allele frequency attached by ClinVar (database versions not stated): TOPMed below 0.00001; gnomAD 0.00001; ExAC 0.00002.

Submission:

CeGaT Center for Human Genetics Tuebingen
Classification: Likely benign. Last evaluated: 2022-11-01. Review status: criteria provided, single submitter. Criteria: CeGaT Center For Human Genetics Tuebingen Variant Classification Criteria Version 2. Collection method: clinical testing. Allele origin: germline. Affected: yes. Observed: 1 variant allele.
Comment: MUC5B: BP4, BP7